The following is an entry in ClinVar:

NM_000535.7(PMS2):c.1734T>A (p.Arg578=)

Gene: PMS2 (PMS1 homolog 2, mismatch repair system component; minus strand). Cytogenetic location: 7p22.1.
Variant type: single nucleotide variant.
Coding change: c.1734T>A on transcript NM_000535.7 (MANE Select); coding-DNA position 1734, T replaced by A.
Protein change: p.Arg578=; no amino-acid change (arginine 578 retained).
Molecular consequence: synonymous variant. On other transcripts: non-coding transcript variant (1).
Genome position (GRCh38, 1-based): chr7:5,987,031, A>T on the plus strand (T>A on the coding strand, the complement: PMS2 is on the minus strand). VCF-style: chr7-5987031-A-T. GRCh37 (hg19) VCF-style: chr7-6026662-A-T.
Other names: c.1329T>A, p.Arg443= (NM_001322003.2, NM_001322004.2, NM_001322005.2 and 1 more transcripts); c.1578T>A, p.Arg526= (NM_001322006.2); c.1416T>A, p.Arg472= (NM_001322007.2, NM_001322008.2); c.1173T>A, p.Arg391= (NM_001322010.2); c.801T>A, p.Arg267= (NM_001322011.2, NM_001322012.2); c.1161T>A, p.Arg387= (NM_001322013.2); c.1734T>A, p.Arg578= (NM_001322014.2); c.1425T>A, p.Arg475= (NM_001322015.2).
Identifiers: ClinVar variation 1082809 (VCV001082809.13), dbSNP rs2128724400, ClinGen allele CA453746131.
Genomic context (GRCh38, chr7:5,987,031, plus strand): 5'-CTGAGTATTTACTAACTTTTGACAAATGTCAGAACTGGAAAGAATTTCTTCTTTTTTAAA[A>T]CGCTTTGTGTTTGGGGTTGCGAGATTAGTTGGCTGAGGCAAAACTCGAAATTTACATCCG-3'
Protein context (NP_000526.2, residues 568-588): PTNLATPNTK[Arg578=]FKKEEILSSS

ClinVar aggregate classification (germline): Benign/Likely benign. Review status: criteria provided, multiple submitters, no conflicts (2 of 4 stars). 4 submissions from 4 submitters: Benign (1); Likely benign (3). Last evaluated 2025-01-31.

Conditions:
Lynch syndrome. Identifiers: Orphanet 144, MedGen C4552100, MONDO:0005835. Disease mechanism: loss of function.
Hereditary nonpolyposis colorectal neoplasms. Identifiers: MedGen C0009405, MeSH D003123.
Hereditary cancer-predisposing syndrome. Also called: Hereditary Cancer Syndrome; Neoplastic Syndromes, Hereditary; Tumor predisposition; Hereditary neoplastic syndrome. Identifiers: Orphanet 140162, MedGen C0027672, MeSH D009386, MONDO:0015356.
Lynch syndrome 4 (LYNCH4). Also called: Colorectal cancer, hereditary nonpolyposis, type 4; Hereditary non-polyposis colorectal cancer, type 4. Identifiers: Orphanet 144, MedGen C1838333, MONDO:0013699, OMIM 614337. Disease mechanism: loss of function.

Submissions (4):

Myriad Genetics, Inc.
Classification: Benign for Lynch syndrome 4. Last evaluated: 2025-01-31. Review status: criteria provided, single submitter. Criteria: Myriad Autosomal Dominant, Autosomal Recessive and X-Linked Classification Criteria (2023). Collection method: clinical testing. Allele origin: unknown.
Comment: This variant is considered benign. This variant is a silent/synonymous amino acid change and it is not expected to impact splicing.

All of Us Research Program, National Institutes of Health
Classification: Likely benign for Lynch syndrome. Last evaluated: 2023-09-17. Review status: criteria provided, single submitter. Criteria: ACMG Guidelines, 2015. Collection method: clinical testing. Allele origin: germline. Inheritance: Autosomal dominant inheritance. Observed: 1 variant allele, 1 heterozygote.
Comment: This study involves interpretation of variants in research participants for the purpose of population health screening. Participant phenotype was not available at the time of variant classification. Additional details can be found in publication PMID: 35346344, PMCID: PMC8962531

Ambry Genetics
Classification: Likely benign for Hereditary cancer-predisposing syndrome. Last evaluated: 2022-10-08. Review status: criteria provided, single submitter. Criteria: Ambry Variant Classification Scheme 2023. Collection method: clinical testing. Allele origin: germline.

Labcorp Genetics (formerly Invitae), Labcorp
Classification: Likely benign for Hereditary nonpolyposis colorectal neoplasms. Last evaluated: 2022-03-31. Review status: criteria provided, single submitter. Criteria: Invitae Variant Classification Sherloc (09022015). Collection method: clinical testing. Allele origin: germline.